The following is an entry in ClinVar:

NM_000256.3(MYBPC3):c.3627+2del

Gene: MYBPC3 (myosin binding protein C3; minus strand). Cytogenetic location: 11p11.2.
Variant type: Deletion.
Coding change: c.3627+2del on transcript NM_000256.3 (MANE Select); the canonical splice donor site of the intron after coding-DNA position 3627, one base deleted (T; older notation c.3627+2delT).
Molecular consequence: splice donor variant.
Genome position (GRCh38, 1-based): chr11:47,332,564, A deleted on the plus strand (T on the coding strand, the reverse complement: MYBPC3 is on the minus strand). VCF-style (leftmost placement, unchanged base first): chr11-47332563-TA-T. GRCh37 (hg19) VCF-style: chr11-47354114-TA-T.
Other names: c.3627+2delT (NM_000256.3).
Identifiers: ClinVar variation 519195 (VCV000519195.15), dbSNP rs1555120258, ClinGen allele CA658797619.

ClinVar aggregate classification (germline): Pathogenic. Review status: criteria provided, multiple submitters, no conflicts (2 of 4 stars). 4 submissions from 4 submitters: Pathogenic (3). 1 of the submissions does not count toward it. Last evaluated 2025-02-06.

Conditions:
Cardiovascular phenotype. Identifiers: MedGen CN230736.
Hypertrophic cardiomyopathy. Also called: HYPERTROPHIC MYOCARDIOPATHY. Identifiers: Orphanet 217569, MedGen C0007194, MeSH D002312, MONDO:0005045, HP:0001639.

Submissions (4):

Labcorp Genetics (formerly Invitae), Labcorp
Classification: Pathogenic for Hypertrophic cardiomyopathy. Last evaluated: 2025-02-06. Review status: criteria provided, single submitter. Criteria: Invitae Variant Classification Sherloc (09022015). Collection method: clinical testing. Allele origin: germline.
Comment: This sequence change affects a splice site in intron 32 of the MYBPC3 gene. It is expected to disrupt RNA splicing. Variants that disrupt the donor or acceptor splice site typically lead to a loss of protein function (PMID: 16199547), and loss-of-function variants in MYBPC3 are known to be pathogenic (PMID: 19574547). This variant is not present in population databases (gnomAD no frequency). Disruption of this splice site has been observed in individuals with hypertrophic cardiomyopathy (PMID: 19659763, 23233322). ClinVar contains an entry for this variant (Variation ID: 519195). Algorithms developed to predict the effect of sequence changes on RNA splicing suggest that this variant may disrupt the consensus splice site. For these reasons, this variant has been classified as Pathogenic.

GeneDx
Classification: Pathogenic. Last evaluated: 2022-08-31. Review status: criteria provided, single submitter. Criteria: GeneDx Variant Classification Process June 2021. Collection method: clinical testing. Allele origin: germline. Affected: yes.
Comment: Identified in patients with HCM referred for genetic testing at GeneDx and in published literature (Kassem et al., 2013); Canonical splice site variant predicted to result in a null allele in a gene for which loss of function is a known mechanism of disease; Not observed at significant frequency in large population cohorts (gnomAD); This variant is associated with the following publications: (PMID: 23233322)

Ambry Genetics
Classification: Pathogenic for Cardiovascular phenotype. Last evaluated: 2020-07-21. Review status: criteria provided, single submitter. Criteria: Ambry Variant Classification Scheme 2023. Collection method: clinical testing. Allele origin: germline.
Comment: The c.3627+2delT intronic pathogenic mutation is located 2 nucleotides after coding exon 32 of the MYBPC3 gene. This variant results from a deletion of one nucleotide at position c.3627+2. Another alteration impacting the same donor site (c.3627+1G>A, also referred to as Int33DSG+1A) has been detected in individuals with hypertrophic cardiomyopathy (HCM), confirmed to co-segregate with disease, and reported to produce aberrant RNA splicing (Niimura H et al. N. Engl. J. Med., 1998 Apr;338:1248-57). Alterations that disrupt the canonical splice site are expected to cause aberrant splicing, resulting in an abnormal protein or a transcript that is subject to nonsense-mediated mRNA decay. As such, this alteration is classified as a disease-causing mutation.

Agnes Ginges Centre for Molecular Cardiology, Centenary Institute
Classification: Likely pathogenic for Hypertrophic cardiomyopathy. Last evaluated: 2020-01-20. Review status: no assertion criteria provided. Collection method: research. Allele origin: germline. Inheritance: Autosomal dominant inheritance. Affected: yes. Not counted in ClinVar's aggregate classification.
Comment: This variant has been identified as part of our research program. For further information please feel free to contact us.

Literature cited by the submitters: PubMed 16199547 (cited by Labcorp Genetics (formerly Invitae), Labcorp); PubMed 19574547 (cited by Labcorp Genetics (formerly Invitae), Labcorp); PubMed 19659763 (cited by Labcorp Genetics (formerly Invitae), Labcorp); PubMed 23233322 (cited by 3 submitters).